The following is an entry in ClinVar:

NM_001376.5(DYNC1H1):c.3564+54G>A

Gene: DYNC1H1 (dynein cytoplasmic 1 heavy chain 1; plus strand). Cytogenetic location: 14q32.31.
Variant type: single nucleotide variant.
Coding change: c.3564+54G>A on transcript NM_001376.5 (MANE Select); 54 bases into the intron after coding-DNA position 3564, G replaced by A.
Molecular consequence: intron variant.
Genome position (GRCh38, 1-based): chr14:101,995,354, G>A. VCF-style: chr14-101995354-G-A. GRCh37 (hg19) VCF-style: chr14-102461691-G-A.
Identifiers: ClinVar variation 676589 (VCV000676589.2), dbSNP rs17540915, ClinGen allele CA266987750.

ClinVar aggregate classification (germline): Likely benign. Review status: criteria provided, multiple submitters, no conflicts (2 of 4 stars). 2 submissions from 2 submitters: Likely benign (2). Last evaluated 2018-06-20.

Allele frequency attached by ClinVar (database versions not stated): 1000 Genomes Project 0.01138; 1000 Genomes Project 30x 0.01171; gnomAD 0.01673 and 0.01698; TOPMed 0.01807; gnomAD exomes 0.02459.
gnomAD v4.1: 38,382 of 1,607,678 alleles (2.4%); highest among the groups gnomAD compares: South Asian, 4.3%; 608 homozygotes.

Submissions (2):

GeneDx
Classification: Likely benign. Last evaluated: 2018-06-20. Review status: criteria provided, single submitter. Criteria: GeneDx Variant Classification (06012015). Collection method: clinical testing. Allele origin: germline. Affected: yes.
Comment: This variant is considered likely benign or benign based on one or more of the following criteria: it is a conservative change, it occurs at a poorly conserved position in the protein, it is predicted to be benign by multiple in silico algorithms, and/or has population frequency not consistent with disease.

Breakthrough Genomics
Classification: Likely benign. Review status: criteria provided, single submitter. Criteria: ACMG Guidelines, 2015. Collection method: not provided. Allele origin: germline. Inheritance: Autosomal dominant inheritance. Affected: yes.